The following is an entry in ClinVar:

ClinVar aggregate classification (germline): Uncertain significance (1 of 4 stars; one submission).

Conditions:
Inborn genetic diseases. Identifiers: MedGen C0950123, MeSH D030342.

gnomAD v4.1: 3 of 1,551,806 alleles (0.00019%); highest among the groups gnomAD compares: African/African-American, 0.0028%; no homozygotes.

Submission:

Ambry Genetics
Classification: Uncertain significance for Inborn genetic diseases. Last evaluated: 2026-02-14. Review status: criteria provided, single submitter. Criteria: Ambry Variant Classification Scheme 2023. Collection method: clinical testing. Allele origin: germline.
Comment: The p.G92A variant (also known as c.275G>C), located in coding exon 1 of the KDM1A gene, results from a G to C substitution at nucleotide position 275. The glycine at codon 92 is replaced by alanine, an amino acid with similar properties. This amino acid position is conserved. In addition, this alteration is predicted to be tolerated by in silico analysis. Based on the available evidence, the clinical significance of this variant remains unclear.

NM_001009999.3(KDM1A):c.275G>C (p.Gly92Ala)

Gene: KDM1A (lysine demethylase 1A; plus strand). Cytogenetic location: 1p36.12.
Variant type: single nucleotide variant.
Coding change: c.275G>C on transcript NM_001009999.3 (MANE Select); coding-DNA position 275, G replaced by C.
Protein change: p.Gly92Ala; replaces glycine 92 with alanine.
Molecular consequence: missense variant.
Genome position (GRCh38, 1-based): chr1:23,019,871, G>C. VCF-style: chr1-23019871-G-C. GRCh37 (hg19) VCF-style: chr1-23346364-G-C.
Other names: c.275G>C, p.Gly92Ala (NM_001363654.2, NM_001410762.1, NM_001410763.1 and 1 more transcripts); short protein forms G92A.
Identifiers: ClinVar variation 4844707 (VCV004844707.1).